The following is an entry in ClinVar:

ClinVar aggregate classification (germline): Likely benign (0 of 4 stars; one submission).

Conditions:
THADA-related disorder. Also called: THADA-related condition.

Allele frequency attached by ClinVar (database versions not stated): 1000 Genomes Project 0.00200; 1000 Genomes Project 30x 0.00234; gnomAD 0.00247; TOPMed 0.00266; ESP Exome Variant Server 0.00288.
gnomAD v4.1: 736 of 1,609,750 alleles (0.046%); highest among the groups gnomAD compares: African/African-American, 0.82%; 5 homozygotes.

Submission:

PreventionGenetics, part of Exact Sciences
Classification: Likely benign for THADA-related condition. Last evaluated: 2019-08-10. Review status: no assertion criteria provided. Collection method: clinical testing. Allele origin: germline.
Comment: This variant is classified as likely benign based on ACMG/AMP sequence variant interpretation guidelines (Richards et al. 2015 PMID: 25741868, with internal and published modifications).

NM_022065.5(THADA):c.3993C>T (p.Tyr1331=)

Gene: THADA (THADA armadillo repeat containing; minus strand). Cytogenetic location: 2p21.
Variant type: single nucleotide variant.
Coding change: c.3993C>T on transcript NM_022065.5 (MANE Select); coding-DNA position 3993, C replaced by T.
Protein change: p.Tyr1331=; no amino-acid change (tyrosine 1331 retained).
Molecular consequence: synonymous variant. On other transcripts: non-coding transcript variant (2).
Genome position (GRCh38, 1-based): chr2:43,428,165, G>A on the plus strand (C>T on the coding strand, the complement: THADA is on the minus strand). VCF-style: chr2-43428165-G-A. GRCh37 (hg19) VCF-style: chr2-43655304-G-A.
Other names: c.3993C>T, p.Tyr1331= (NM_001083953.2, NM_001345925.2); c.3990C>T, p.Tyr1330= (NM_001345923.2); c.3870C>T, p.Tyr1290= (NM_001345924.2); c.*64C>T (NM_198554.1).
Identifiers: ClinVar variation 3049739 (VCV003049739.2), dbSNP rs201128133, ClinGen allele CA1632397.